The following is an entry in ClinVar:

NM_000548.5(TSC2):c.1449G>A (p.Glu483=)

Gene: TSC2 (TSC complex subunit 2; plus strand). Cytogenetic location: 16p13.3.
Variant type: single nucleotide variant.
Coding change: c.1449G>A on transcript NM_000548.5 (MANE Select); coding-DNA position 1449, G replaced by A.
Protein change: p.Glu483=; no amino-acid change (glutamic acid 483 retained).
Molecular consequence: synonymous variant.
Genome position (GRCh38, 1-based): chr16:2,064,277, G>A. VCF-style: chr16-2064277-G-A. GRCh37 (hg19) VCF-style: chr16-2114278-G-A.
Other names: c.1449G>A, p.Glu483= (NM_001077183.3, NM_001114382.3, NM_001363528.2 and 3 more transcripts); c.1338G>A, p.Glu446= (NM_001318827.2); c.1302G>A, p.Glu434= (NM_001318829.2); c.849G>A, p.Glu283= (NM_001318831.2); c.1482G>A, p.Glu494= (NM_001318832.2).
Identifiers: ClinVar variation 705328 (VCV000705328.31), dbSNP rs768511587, ClinGen allele CA030581.
Genomic context (GRCh38, chr16:2,064,277, plus strand): 5'-CGAGATGTGGCCCTCGTTGGGCTGGCGCTCATTGGCCTCCCTTGTGCCTGTGCAGGAGGA[G>A]CTGATTAACTCAGTGGTCATCTCGCAGCTCTCCCACATCCCCGAGGATAAAGACCACCAG-3'
Protein context (NP_000539.2, residues 473-493): LLINRQFYEE[Glu483=]LINSVVISQL

ClinVar aggregate classification (germline): Benign/Likely benign. Review status: criteria provided, multiple submitters, no conflicts (2 of 4 stars). 4 submissions from 4 submitters: Benign (2); Likely benign (2). Last evaluated 2025-11-05.

Conditions:
Hereditary cancer-predisposing syndrome. Also called: Neoplastic Syndromes, Hereditary; Tumor predisposition; Hereditary Cancer Syndrome; Hereditary neoplastic syndrome. Identifiers: Orphanet 140162, MedGen C0027672, MeSH D009386, MONDO:0015356.
Tuberous sclerosis 2 (TSC2). Identifiers: Orphanet 805, MedGen C1860707, MONDO:0013199, OMIM 613254.

Allele frequency attached by ClinVar (database versions not stated): gnomAD below 0.00001; gnomAD exomes 0.00001 and 0.00002; ExAC 0.00003.
gnomAD v4.1: 17 of 1,613,850 alleles (0.0011%); highest among the groups gnomAD compares: South Asian, 0.018%; no homozygotes.

Submissions (4):

Labcorp Genetics (formerly Invitae), Labcorp
Classification: Likely benign for Tuberous sclerosis 2. Last evaluated: 2025-11-05. Review status: criteria provided, single submitter. Criteria: Invitae Variant Classification Sherloc (09022015). Collection method: clinical testing. Allele origin: germline.

Myriad Genetics, Inc.
Classification: Benign for Tuberous sclerosis 2. Last evaluated: 2025-05-14. Review status: criteria provided, single submitter. Criteria: Myriad Autosomal Dominant, Autosomal Recessive and X-Linked Classification Criteria (2023). Collection method: clinical testing. Allele origin: unknown.
Comment: This variant is considered benign. This variant is a silent/synonymous amino acid change and it is not expected to impact splicing.

CeGaT Center for Human Genetics Tuebingen
Classification: Likely benign. Last evaluated: 2024-07-01. Review status: criteria provided, single submitter. Criteria: CeGaT Center For Human Genetics Tuebingen Variant Classification Criteria Version 2. Collection method: clinical testing. Allele origin: germline. Affected: yes. Observed: 1 variant allele.
Comment: TSC2: BP4, BP7

Ambry Genetics
Classification: Benign for Hereditary cancer-predisposing syndrome. Last evaluated: 2022-02-02. Review status: criteria provided, single submitter. Criteria: Ambry Variant Classification Scheme 2023. Collection method: clinical testing. Allele origin: germline.